The following is an entry in ClinVar:

ClinVar aggregate classification (germline): Uncertain significance (1 of 4 stars; one submission).

Submission:

Labcorp Genetics (formerly Invitae), Labcorp
Classification: Uncertain significance. Last evaluated: 2025-09-03. Review status: criteria provided, single submitter. Criteria: Invitae Variant Classification Sherloc (09022015). Collection method: clinical testing. Allele origin: germline.
Comment: This sequence change replaces alanine, which is neutral and non-polar, with proline, which is neutral and non-polar, at codon 180 of the WFS1 protein (p.Ala180Pro). This variant is not present in population databases (gnomAD no frequency). This variant has not been reported in the literature in individuals affected with WFS1-related conditions. Invitae Evidence Modeling of protein sequence and biophysical properties (such as structural, functional, and spatial information, amino acid conservation, physicochemical variation, residue mobility, and thermodynamic stability) has been performed for this missense variant. However, the output from this modeling did not meet the statistical confidence thresholds required to predict the impact of this variant on WFS1 protein function. In summary, the available evidence is currently insufficient to determine the role of this variant in disease. Therefore, it has been classified as a Variant of Uncertain Significance.

NM_006005.3(WFS1):c.538G>C (p.Ala180Pro)

Gene: WFS1 (wolframin ER transmembrane glycoprotein; plus strand). Cytogenetic location: 4p16.1.
Variant type: single nucleotide variant.
Coding change: c.538G>C on transcript NM_006005.3 (MANE Select); coding-DNA position 538, G replaced by C.
Protein change: p.Ala180Pro; replaces alanine 180 with proline.
Molecular consequence: missense variant.
Genome position (GRCh38, 1-based): chr4:6,291,274, G>C. VCF-style: chr4-6291274-G-C. GRCh37 (hg19) VCF-style: chr4-6293001-G-C.
Other names: c.538G>C, p.Ala180Pro (NM_001145853.1); short protein forms A180P.
Identifiers: ClinVar variation 4718918 (VCV004718918.1).